The following is an entry in ClinVar:

ClinVar aggregate classification (germline): Uncertain significance. Review status: criteria provided, multiple submitters, no conflicts (2 of 4 stars). 2 submissions from 2 submitters: Uncertain significance (2). Last evaluated 2024-11-18.

Conditions:
Inborn genetic diseases. Identifiers: MedGen C0950123, MeSH D030342.
Hereditary sensory neuropathy-deafness-dementia syndrome. Also called: HSN IE; Hereditary sensory neuropathy type IE; NEUROPATHY, HEREDITARY SENSORY, WITH HEARING LOSS AND DEMENTIA; Hereditary Sensory and Autonomic Neuropathy Type 1E (HSAN1E). Identifiers: Orphanet 456318, MedGen C3279885, MONDO:0013584, OMIM 614116.

Allele frequency attached by ClinVar (database versions not stated): TOPMed below 0.00001; gnomAD exomes 0.00001; ExAC 0.00002.
gnomAD v4.1: 5 of 1,614,126 alleles (0.00031%); highest among the groups gnomAD compares: Non-Finnish European, 0.00034%; no homozygotes.

Submissions (2):

Labcorp Genetics (formerly Invitae), Labcorp
Classification: Uncertain significance for Hereditary sensory neuropathy-deafness-dementia syndrome. Last evaluated: 2024-11-18. Review status: criteria provided, single submitter. Criteria: Invitae Variant Classification Sherloc (09022015). Collection method: clinical testing. Allele origin: germline.
Comment: This sequence change replaces proline, which is neutral and non-polar, with alanine, which is neutral and non-polar, at codon 986 of the DNMT1 protein (p.Pro986Ala). This variant is present in population databases (rs775590756, gnomAD 0.003%). This variant has not been reported in the literature in individuals affected with DNMT1-related conditions. ClinVar contains an entry for this variant (Variation ID: 1797530). Invitae Evidence Modeling of protein sequence and biophysical properties (such as structural, functional, and spatial information, amino acid conservation, physicochemical variation, residue mobility, and thermodynamic stability) indicates that this missense variant is expected to disrupt DNMT1 protein function with a positive predictive value of 80%. In summary, the available evidence is currently insufficient to determine the role of this variant in disease. Therefore, it has been classified as a Variant of Uncertain Significance.

Ambry Genetics
Classification: Uncertain significance for Inborn genetic diseases. Last evaluated: 2020-02-06. Review status: criteria provided, single submitter. Criteria: Ambry Variant Classification Scheme 2023. Collection method: clinical testing. Allele origin: germline.
Comment: The p.P970A variant (also known as c.2908C>G), located in coding exon 28 of the DNMT1 gene, results from a C to G substitution at nucleotide position 2908. The proline at codon 970 is replaced by alanine, an amino acid with highly similar properties. This amino acid position is highly conserved in available vertebrate species. In addition, the in silico prediction for this alteration is inconclusive. Since supporting evidence is limited at this time, the clinical significance of this alteration remains unclear.

NM_001130823.3(DNMT1):c.2956C>G (p.Pro986Ala)

Gene: DNMT1 (DNA methyltransferase 1; minus strand). Cytogenetic location: 19p13.2.
Variant type: single nucleotide variant.
Coding change: c.2956C>G on transcript NM_001130823.3 (MANE Select); coding-DNA position 2956, C replaced by G.
Protein change: p.Pro986Ala; replaces proline 986 with alanine.
Molecular consequence: missense variant.
Genome position (GRCh38, 1-based): chr19:10,143,926, G>C on the plus strand (C>G on the coding strand, the complement: DNMT1 is on the minus strand). VCF-style: chr19-10143926-G-C. GRCh37 (hg19) VCF-style: chr19-10254602-G-C.
Other names: c.2593C>G, p.Pro865Ala (NM_001318731.2); c.2908C>G, p.Pro970Ala (NM_001318730.2, NM_001379.4); short protein forms P986A, P970A, P865A.
Identifiers: ClinVar variation 1797530 (VCV001797530.7), dbSNP rs775590756, ClinGen allele CA9187888.
Genomic context (GRCh38, chr19:10,143,926, plus strand): 5'-GCTCAGGGGCATCCAGGTTGCTGCCTTTGATGTAGTCGGAGTATTTCCGGTAGTGCTCTG[G>C]GTACAGGTCCTCATCCACGGGCTCCTTCCGTGGGCGTTTCACGGGACTGGACAGCTTGAT-3'
Protein context (NP_001124295.1, residues 976-996): RKEPVDEDLY[Pro986Ala]EHYRKYSDYI